The following is an entry in ClinVar:

ClinVar aggregate classification (germline): Conflicting classifications of pathogenicity. Review status: criteria provided, conflicting classifications (1 of 4 stars). 2 submissions from 2 submitters: Uncertain significance (1); Likely benign (1). Last evaluated 2025-12-01.

Allele frequency attached by ClinVar (database versions not stated): TOPMed below 0.00001; ExAC 0.00002; gnomAD exomes 0.00005.

Submissions (2):

Labcorp Genetics (formerly Invitae), Labcorp
Classification: Uncertain significance. Last evaluated: 2025-12-01. Review status: criteria provided, single submitter. Criteria: Invitae Variant Classification Sherloc (09022015). Collection method: clinical testing. Allele origin: germline.
Comment: This sequence change falls in intron 3 of the PPP1CB gene. It does not directly change the encoded amino acid sequence of the PPP1CB protein. It affects a nucleotide within the consensus splice site. This variant is present in population databases (rs201593503, gnomAD 0.05%). This variant has not been reported in the literature in individuals affected with PPP1CB-related conditions. ClinVar contains an entry for this variant (Variation ID: 1978808). Variants that disrupt the consensus splice site are a relatively common cause of aberrant splicing (PMID: 17576681, 9536098). Algorithms developed to predict the effect of sequence changes on RNA splicing suggest that this variant is not likely to affect RNA splicing. In summary, the available evidence is currently insufficient to determine the role of this variant in disease. Therefore, it has been classified as a Variant of Uncertain Significance.

Blueprint Genetics
Classification: Likely benign. Last evaluated: 2022-04-20. Review status: criteria provided, single submitter. Criteria: ACMG Guidelines, 2015. Collection method: clinical testing. Allele origin: germline.

Literature cited by the submitters: PubMed 17576681 (cited by Labcorp Genetics (formerly Invitae), Labcorp); PubMed 9536098 (cited by Labcorp Genetics (formerly Invitae), Labcorp).

NM_002709.3(PPP1CB):c.184+4T>C

Gene: PPP1CB (protein phosphatase 1 catalytic subunit beta; plus strand). Cytogenetic location: 2p23.2.
Variant type: single nucleotide variant.
Coding change: c.184+4T>C on transcript NM_002709.3 (MANE Select); 4 bases into the intron after coding-DNA position 184, T replaced by C.
Molecular consequence: intron variant.
Genome position (GRCh38, 1-based): chr2:28,776,986, T>C. VCF-style: chr2-28776986-T-C. GRCh37 (hg19) VCF-style: chr2-28999852-T-C.
Other names: c.184+4T>C (NM_206876.2).
Identifiers: ClinVar variation 1978808 (VCV001978808.5), dbSNP rs201593503, ClinGen allele CA1589170.
Genomic context (GRCh38, chr2:28,776,986, plus strand): 5'-AGATCTTTCTCAGCCAGCCTATTCTTTTGGAATTGGAAGCACCGCTGAAAATTTGTGGTA[T>C]GTAAATGGGTAAAGTTGGAAACAACTCTTTTGAATCATGTTTTTCCTCCCATGTTTAAGA-3'